The following is an entry in ClinVar:

NM_001182.5(ALDH7A1):c.*1748T>A

Gene: ALDH7A1 (aldehyde dehydrogenase 7 family member A1; minus strand). Cytogenetic location: 5q23.2.
Variant type: single nucleotide variant.
Coding change: c.*1748T>A on transcript NM_001182.5 (MANE Select); 1748 bases downstream of the stop codon, T replaced by A.
Molecular consequence: 3 prime UTR variant.
Genome position (GRCh38, 1-based): chr5:126,543,217, A>T on the plus strand (T>A on the coding strand, the complement: ALDH7A1 is on the minus strand). VCF-style: chr5-126543217-A-T. GRCh37 (hg19) VCF-style: chr5-125878909-A-T.
Other names: NC_000005.9:g.125878909A>T; c.*1748T>A (NM_001201377.2, NM_001202404.2).
Identifiers: ClinVar variation 350546 (VCV000350546.6), dbSNP rs744721, ClinGen allele CA10618854.
Genomic context (GRCh38, chr5:126,543,217, plus strand): 5'-ACTTGGATAGTTAAAAATACTAACAAGTGATTTATATCTGCTAAATCAGCAAAAAAGAAC[A>T]AAGAGGAACAAATTGAAGGCATATGTTTTAATGAACATTATAACCAAAAAAAATTGAGTC-3'

ClinVar aggregate classification (germline): Benign (1 of 4 stars; one submission).

Conditions:
Pyridoxine-dependent epilepsy (EPEO4). Also called: Pyridoxine-Dependent Epilepsy - ALDH7A1; PYRIDOXINE DEPENDENCY WITH SEIZURES; EPILEPSY, EARLY-ONSET, 4, VITAMIN B6-DEPENDENT; Pyridoxine-Dependent Seizures. Identifiers: Orphanet 3006, MedGen C1849508, MONDO:0009945, OMIM 266100. Disease mechanism: loss of function.

Allele frequency attached by ClinVar (database versions not stated): 1000 Genomes Project 0.37320; TOPMed 0.41648; gnomAD 0.43127 and 0.42776.

Submissions (3):

Illumina Laboratory Services, Illumina
Classification: Benign for Pyridoxine-dependent epilepsy. Last evaluated: 2018-01-13. Review status: criteria provided, single submitter. Criteria: ICSL Variant Classification Criteria 13 December 2019. Collection method: clinical testing. Allele origin: germline.
Comment: This variant was observed in the ICSL laboratory as part of a predisposition screen in an ostensibly healthy population. It had not been previously curated by ICSL or reported in the Human Gene Mutation Database (HGMD: prior to June 1st, 2018), and was therefore a candidate for classification through an automated scoring system. Utilizing variant allele frequency, disease prevalence and penetrance estimates, and inheritance mode, an automated score was calculated to assess if this variant is too frequent to cause the disease. Based on the score and internal cut-off values, a variant classified as benign is not then subjected to further curation. The score for this variant resulted in a classification of benign for this disease.

Dr. Peter K. Rogan Lab, Western University
No classification provided (evidence only). Condition: Uterine carcinosarcoma. Review status: no classification provided. Collection method: in vitro. Allele origin: not applicable. Functional consequence: retained intron. Not counted in ClinVar's aggregate classification.

Dr. Peter K. Rogan Lab, Western University
No classification provided (evidence only). Condition: Malignant tumor of esophagus. Review status: no classification provided. Collection method: in vitro. Allele origin: not applicable. Functional consequence: retained intron. Not counted in ClinVar's aggregate classification.